The following is an entry in ClinVar:

NM_001042492.3(NF1):c.2233dup (p.Ser745fs)

Gene: NF1 (neurofibromin 1; plus strand). Cytogenetic location: 17q11.2.
Variant type: Duplication.
Coding change: c.2233dup on transcript NM_001042492.3 (MANE Select); coding-DNA position 2233, one base duplicated (A; older notation c.2233dupA).
Protein change: p.Ser745fs; shifts the reading frame from serine 745.
Molecular consequence: frameshift variant.
Genome position (GRCh38, 1-based): chr17:31,226,666, A duplicated. VCF-style (leftmost placement, unchanged base first): chr17-31226665-C-CA. GRCh37 (hg19) VCF-style: chr17-29553683-C-CA.
Other names: c.2233dup, p.Ser745Lysfs (NM_000267.4); short protein forms S745fs.
Identifiers: ClinVar variation 4055874 (VCV004055874.1).

ClinVar aggregate classification (germline): Pathogenic (1 of 4 stars; one submission).

Submission:

GeneDx
Classification: Pathogenic. Last evaluated: 2025-01-07. Review status: criteria provided, single submitter. Criteria: GeneDx Variant Classification Process June 2021. Collection method: clinical testing. Allele origin: germline. Affected: yes.
Comment: Frameshift variant predicted to result in protein truncation or nonsense mediated decay in a gene for which loss of function is a known mechanism of disease; Not observed at significant frequency in large population cohorts (gnomAD)